The following is an entry in ClinVar:

NM_007289.4(MME):c.851C>T (p.Ala284Val)

Gene: MME (membrane metalloendopeptidase; plus strand). Cytogenetic location: 3q25.2.
Variant type: single nucleotide variant.
Coding change: c.851C>T on transcript NM_007289.4 (MANE Select); coding-DNA position 851, C replaced by T.
Protein change: p.Ala284Val; replaces alanine 284 with valine.
Molecular consequence: missense variant.
Genome position (GRCh38, 1-based): chr3:155,138,232, C>T. VCF-style: chr3-155138232-C-T. GRCh37 (hg19) VCF-style: chr3-154856021-C-T.
Other names: c.851C>T, p.Ala284Val (NM_000902.5, NM_001354642.2, NM_001354643.1 and 2 more transcripts); short protein forms A284V.
Identifiers: ClinVar variation 1924236 (VCV001924236.5), dbSNP rs1720789767, ClinGen allele CA355129462.

ClinVar aggregate classification (germline): Uncertain significance (1 of 4 stars; one submission).

Submission:

Labcorp Genetics (formerly Invitae), Labcorp
Classification: Uncertain significance. Last evaluated: 2022-05-08. Review status: criteria provided, single submitter. Criteria: Invitae Variant Classification Sherloc (09022015). Collection method: clinical testing. Allele origin: germline.
Comment: In summary, the available evidence is currently insufficient to determine the role of this variant in disease. Therefore, it has been classified as a Variant of Uncertain Significance. Algorithms developed to predict the effect of missense changes on protein structure and function are either unavailable or do not agree on the potential impact of this missense change (SIFT: "Tolerated"; PolyPhen-2: "Probably Damaging"; Align-GVGD: "Class C0"). This variant has not been reported in the literature in individuals affected with MME-related conditions. This variant is not present in population databases (gnomAD no frequency). This sequence change replaces alanine, which is neutral and non-polar, with valine, which is neutral and non-polar, at codon 284 of the MME protein (p.Ala284Val).